The following is an entry in ClinVar:

NM_022367.4(SEMA4A):c.92C>T (p.Ala31Val)

Gene: SEMA4A (semaphorin 4A; plus strand). Cytogenetic location: 1q22.
Variant type: single nucleotide variant.
Coding change: c.92C>T on transcript NM_022367.4 (MANE Select); coding-DNA position 92, C replaced by T.
Protein change: p.Ala31Val; replaces alanine 31 with valine.
Molecular consequence: missense variant. On other transcripts: 5 prime UTR variant (1), intron variant (3).
Genome position (GRCh38, 1-based): chr1:156,154,670, C>T. VCF-style: chr1-156154670-C-T. GRCh37 (hg19) VCF-style: chr1-156124461-C-T.
Other names: c.92C>T, p.Ala31Val (NM_001193300.2, NM_001193301.2, NM_001370567.1); c.-433C>T (NM_001370571.1); c.-385-1744C>T (NM_001370569.1); c.-158-1744C>T (NM_001370568.1); c.-159+906C>T (NM_001193302.2); short protein forms A31V.
Identifiers: ClinVar variation 1931382 (VCV001931382.5), dbSNP rs893869203, ClinGen allele CA31028349.
Genomic context (GRCh38, chr1:156,154,670, plus strand): 5'-GGAGCCTCCTGGGCCTTTTCCTCTTCCAACTGCTTCAGCTGCTGCTGCCGACGACGACCG[C>T]GGGGGGAGGCGGGCAGGGGCCCATGCCCAGGGTCAGATACTATGCAGGTAAGTGTCCGAC-3'
Protein context (NP_071762.2, residues 21-41): LLQLLLPTTT[Ala31Val]GGGGQGPMPR

ClinVar aggregate classification (germline): Uncertain significance (1 of 4 stars; one submission).

Allele frequency attached by ClinVar (database versions not stated): gnomAD exomes below 0.00001; TOPMed below 0.00001.
gnomAD v4.1: 6 of 1,598,820 alleles (0.00038%); highest among the groups gnomAD compares: South Asian, 0.0011%; no homozygotes.

Submission:

Labcorp Genetics (formerly Invitae), Labcorp
Classification: Uncertain significance. Last evaluated: 2025-04-27. Review status: criteria provided, single submitter. Criteria: Invitae Variant Classification Sherloc (09022015). Collection method: clinical testing. Allele origin: germline.
Comment: This sequence change replaces alanine, which is neutral and non-polar, with valine, which is neutral and non-polar, at codon 31 of the SEMA4A protein (p.Ala31Val). The frequency data for this variant in the population databases is considered unreliable, as metrics indicate poor data quality at this position in the gnomAD database. This variant has not been reported in the literature in individuals affected with SEMA4A-related conditions. ClinVar contains an entry for this variant (Variation ID: 1931382). An algorithm developed to predict the effect of missense changes on protein structure and function outputs the following: PolyPhen-2: "Benign". The valine amino acid residue is found in multiple mammalian species, which suggests that this missense change does not adversely affect protein function. In summary, the available evidence is currently insufficient to determine the role of this variant in disease. Therefore, it has been classified as a Variant of Uncertain Significance.